The following is an entry in ClinVar:

ClinVar aggregate classification (germline): Pathogenic. Review status: reviewed by expert panel (3 of 4 stars). 3 submissions from 3 submitters: Pathogenic (1). 2 of the submissions do not count toward it. Last evaluated 2026-02-24.

Conditions:
Developmental and epileptic encephalopathy, 11 (DEE11). Also called: Early infantile epileptic encephalopathy 11. Identifiers: Orphanet 1934, MedGen C3150987, MONDO:0013388, OMIM 613721.
Complex neurodevelopmental disorder. Identifiers: Orphanet 528084, MedGen C5568766, MONDO:0100038.

Submissions (3):

ClinGen Epilepsy Sodium Channel Variant Curation Expert Panel, Clingen
Classification: Pathogenic for Complex neurodevelopmental disorder. Last evaluated: 2026-02-24. Review status: reviewed by expert panel. Criteria: ClinGen EpilepsySCN ACMG Specifications SCN2A V2.0.0. Collection method: curation. Allele origin: germline. Inheritance: Autosomal dominant inheritance.
Comment: The c.4832T>C variant in SCN2A is a missense variant predicted to cause substitution of Leucine by Proline at amino acid 1611 (p.Leu1611Pro). This variant has been identified as a de novo occurrence with confirmed parental relationships in two individual(s) with complex neurodevelopmental disorder (PMID: 33528536 ClinVar SCV006334134.1, GeneDx) (PS2_strong). This variant is absent from gnomAD v[4] (PM2_Supporting). Patch clamp experiments in HEK293T cells showed voltage dependence of activation is shifted by at least 2.2 mV (absolute value) and voltage dependence of inactivation is shifted by at least 4.1 mV (absolute value). indicating that this variant impacts protein function (PMID: 38651838) (PS3_strong). The computational predictor REVEL gives a score of 0.981, which is above the threshold of 0.773, evidence that correlates with impact to SCN2A function (PP3_moderate). In summary, this variant meets the criteria to be classified as pathogenic for autosomal dominant complex neurodevelopmental disorder based on the ACMG/AMP criteria applied, as specified by the ClinGen Sodium Channel VCEP: PS2, PS3, PP3_moderate, PM2_supporting (ClinGen Epilepsy Sodium Channel Expert Panel Specifications Version 2.0.0; Feb 24, 2026).

GeneDx
Classification: Pathogenic. Last evaluated: 2025-03-19. Review status: criteria provided, single submitter. Criteria: GeneDx Variant Classification Process June 2021. Collection method: clinical testing. Allele origin: germline. Affected: yes. Not counted in ClinVar's aggregate classification.
Comment: Published functional studies demonstrate a damaging effect with significant differences in cellular electrophysiology in cells expressing p.(L1611P) compared to wild-type control cells (PMID: 38651838); In silico analysis supports that this missense variant has a deleterious effect on protein structure/function; This substitution is predicted to be within the extracellular loop between the S3 and S4 transmembrane segments of the fourth homologous domain; Not observed at significant frequency in large population cohorts (gnomAD); This variant is associated with the following publications: (PMID: 35982159, 33057194, 33528536, 38651838)

Laboratory of Inherited Metabolic Diseases, Research centre for medical genetics
Classification: Uncertain significance for Developmental and epileptic encephalopathy, 11. Last evaluated: 2020-02-14. Review status: criteria provided, single submitter. Criteria: ACMG Guidelines, 2015. Collection method: clinical testing. Allele origin: unknown. Inheritance: Autosomal dominant inheritance. Affected: yes. Not counted in ClinVar's aggregate classification.

NM_001040142.2(SCN2A):c.4832T>C (p.Leu1611Pro)

Gene: SCN2A (sodium voltage-gated channel alpha subunit 2; plus strand). Cytogenetic location: 2q24.3.
Variant type: single nucleotide variant.
Coding change: c.4832T>C on transcript NM_001040142.2 (MANE Select); coding-DNA position 4832, T replaced by C.
Protein change: p.Leu1611Pro; replaces leucine 1611 with proline.
Molecular consequence: missense variant.
Genome position (GRCh38, 1-based): chr2:165,388,638, T>C. VCF-style: chr2-165388638-T-C. GRCh37 (hg19) VCF-style: chr2-166245148-T-C.
Other names: NM_001040142.2(SCN2A):c.4832T>C; c.4832T>C, p.Leu1611Pro (NM_001040143.2, NM_001371246.1, NM_001371247.1 and 1 more transcripts); c.4832T>C (NM_021007.2); short protein forms L1611P.
Identifiers: ClinVar variation 870190 (VCV000870190.3), dbSNP rs1701999328, ClinGen allele CA349037524.